The following is an entry in ClinVar:

NM_017534.6(MYH2):c.2265C>T (p.Ile755=)

Genes: MYH2 (myosin heavy chain 2; minus strand), MYHAS (myosin heavy chain gene cluster antisense RNA; plus strand). Cytogenetic location: 17p13.1.
Variant type: single nucleotide variant.
Coding change: c.2265C>T on transcript NM_017534.6 (MANE Select); coding-DNA position 2265, C replaced by T.
Protein change: p.Ile755=; no amino-acid change (isoleucine 755 retained).
Molecular consequence: synonymous variant.
Genome position (GRCh38, 1-based): chr17:10,533,548, G>A on the plus strand (C>T on the coding strand, the complement: MYH2 is on the minus strand). VCF-style: chr17-10533548-G-A. GRCh37 (hg19) VCF-style: chr17-10436865-G-A.
Other names: c.2265C>T, p.Ile755= (NM_001100112.2).
Identifiers: ClinVar variation 1663462 (VCV001663462.37), dbSNP rs146411264, ClinGen allele CA8391176.
Genomic context (GRCh38, chr17:10,533,548, plus strand): 5'-GTAGGATTTACAGAAAATTACCTTGGTGTGCCCAAATTTATACTGGGTGTGGTCAATGTC[G>A]ATGGATGCAAGGAGCTTCTCAGAGGCCTTCTTGCTATCAATGAATTGCCCTTCAGGGATT-3'
Protein context (NP_060004.3, residues 745-765): KKASEKLLAS[Ile755=]DIDHTQYKFG

ClinVar aggregate classification (germline): Likely benign. Review status: criteria provided, multiple submitters, no conflicts (2 of 4 stars). 3 submissions from 3 submitters: Likely benign (3). Last evaluated 2025-09-28.

Conditions:
Myopathy, proximal, and ophthalmoplegia (CMYO6). Also called: MYOPATHY WITH CONGENITAL JOINT CONTRACTURES, OPHTHALMOPLEGIA, AND RIMMED VACUOLES; INCLUSION BODY MYOPATHY 3, AUTOSOMAL DOMINANT; CONGENITAL MYOPATHY 6 WITH OPHTHALMOPLEGIA. Identifiers: Orphanet 363677, Orphanet 79091, MedGen C1854106, MONDO:0011577, OMIM 605637.

Allele frequency attached by ClinVar (database versions not stated): TOPMed 0.00001; gnomAD 0.00003 and 0.00004; ExAC 0.00004; gnomAD exomes 0.00004 and 0.00006; ESP Exome Variant Server 0.00008.
gnomAD v4.1: 97 of 1,614,034 alleles (0.006%); highest among the groups gnomAD compares: Non-Finnish European, 0.0071%; no homozygotes.

Submissions (3):

Labcorp Genetics (formerly Invitae), Labcorp
Classification: Likely benign for Myopathy, proximal, and ophthalmoplegia. Last evaluated: 2025-09-28. Review status: criteria provided, single submitter. Criteria: Invitae Variant Classification Sherloc (09022015). Collection method: clinical testing. Allele origin: germline.

CeGaT Center for Human Genetics Tuebingen
Classification: Likely benign. Last evaluated: 2023-01-01. Review status: criteria provided, single submitter. Criteria: CeGaT Center For Human Genetics Tuebingen Variant Classification Criteria Version 2. Collection method: clinical testing. Allele origin: germline. Affected: yes. Observed: 1 variant allele.
Comment: MYH2: BP4, BP7

Blueprint Genetics
Classification: Likely benign. Last evaluated: 2022-11-23. Review status: criteria provided, single submitter. Criteria: ACMG Guidelines, 2015. Collection method: clinical testing. Allele origin: germline.